The following is an entry in ClinVar:

ClinVar aggregate classification (germline): Uncertain significance. Review status: criteria provided, multiple submitters, no conflicts (2 of 4 stars). 2 submissions from 2 submitters: Uncertain significance (2). Last evaluated 2025-10-15.

Conditions:
Inborn genetic diseases. Identifiers: MedGen C0950123, MeSH D030342.

Allele frequency attached by ClinVar (database versions not stated): gnomAD exomes below 0.00001; gnomAD 0.00001.

Submissions (2):

Ambry Genetics
Classification: Uncertain significance for Inborn genetic diseases. Last evaluated: 2025-10-15. Review status: criteria provided, single submitter. Criteria: Ambry Variant Classification Scheme 2023. Collection method: clinical testing. Allele origin: germline.

Labcorp Genetics (formerly Invitae), Labcorp
Classification: Uncertain significance. Last evaluated: 2022-07-06. Review status: criteria provided, single submitter. Criteria: Invitae Variant Classification Sherloc (09022015). Collection method: clinical testing. Allele origin: germline.
Comment: This variant has not been reported in the literature in individuals affected with LRIT3-related conditions. This variant is not present in population databases (gnomAD no frequency). This sequence change replaces serine, which is neutral and polar, with leucine, which is neutral and non-polar, at codon 181 of the LRIT3 protein (p.Ser181Leu). Algorithms developed to predict the effect of missense changes on protein structure and function (SIFT, PolyPhen-2, Align-GVGD) all suggest that this variant is likely to be tolerated. In summary, the available evidence is currently insufficient to determine the role of this variant in disease. Therefore, it has been classified as a Variant of Uncertain Significance.

NM_198506.5(LRIT3):c.542C>T (p.Ser181Leu)

Gene: LRIT3 (leucine rich repeat, Ig-like and transmembrane domains 3; plus strand). Cytogenetic location: 4q25.
Variant type: single nucleotide variant.
Coding change: c.542C>T on transcript NM_198506.5 (MANE Select); coding-DNA position 542, C replaced by T.
Protein change: p.Ser181Leu; replaces serine 181 with leucine.
Molecular consequence: missense variant.
Genome position (GRCh38, 1-based): chr4:109,851,929, C>T. VCF-style: chr4-109851929-C-T. GRCh37 (hg19) VCF-style: chr4-110773085-C-T.
Other names: c.407C>T (NM_198506.2); short protein forms S181L.
Identifiers: ClinVar variation 1937435 (VCV001937435.6), dbSNP rs1734283231, ClinGen allele CA357872430.